The following is an entry in ClinVar:

NM_003924.4(PHOX2B):c.754G>A (p.Ala252Thr)

Genes: PHOX2B (paired like homeobox 2B; minus strand), LOC110011216 (paired like homeobox 2b polyalanine repeat instability region; plus strand). Cytogenetic location: 4p13.
Variant type: single nucleotide variant.
Coding change: c.754G>A on transcript NM_003924.4 (MANE Select); coding-DNA position 754, G replaced by A.
Protein change: p.Ala252Thr; replaces alanine 252 with threonine.
Molecular consequence: missense variant.
Genome position (GRCh38, 1-based): chr4:41,745,998, C>T on the plus strand (G>A on the coding strand, the complement: PHOX2B is on the minus strand). VCF-style: chr4-41745998-C-T. GRCh37 (hg19) VCF-style: chr4-41748015-C-T.
Other names: short protein forms A252T.
Identifiers: ClinVar variation 1759476 (VCV001759476.2), dbSNP rs2552096813, ClinGen allele CA356737197.
Genomic context (GRCh38, chr4:41,745,998, plus strand): 5'-CTTGTCCAGGGCCCCCAGCCGCAGCCAGGCCTCCAGCTGCCGCCGCTGCCGCTGCCGCCG[C>T]CGCCGCTGCCGCGGCCGCCGCCGCTGCTGCTGCGCCGCCCTTGCCGGGTTCGCCTCCCGG-3'
Protein context (NP_003915.2, residues 242-262): AAAAAAAAAA[Ala252Thr]AAAAAAAAGG

ClinVar aggregate classification (germline): Uncertain significance (1 of 4 stars; one submission).

Conditions:
Hereditary cancer-predisposing syndrome. Also called: Neoplastic Syndromes, Hereditary; Tumor predisposition; Hereditary Cancer Syndrome; Hereditary neoplastic syndrome. Identifiers: Orphanet 140162, MedGen C0027672, MeSH D009386, MONDO:0015356.

Allele frequency attached by ClinVar (database versions not stated): gnomAD exomes below 0.00001.
gnomAD v4.1: 1 of 1,175,440 alleles (0.000085%); highest among the groups gnomAD compares: Middle Eastern, 0.034%; no homozygotes.

Submission:

Ambry Genetics
Classification: Uncertain significance for Hereditary cancer-predisposing syndrome. Last evaluated: 2022-03-06. Review status: criteria provided, single submitter. Criteria: Ambry Variant Classification Scheme 2023. Collection method: clinical testing. Allele origin: germline.
Comment: The p.A252T variant (also known as c.754G>A), located in coding exon 3 of the PHOX2B gene, results from a G to A substitution at nucleotide position 754. The alanine at codon 252 is replaced by threonine, an amino acid with similar properties. This amino acid position is conserved. In addition, the in silico prediction for this alteration is inconclusive. Since supporting evidence is limited at this time, the clinical significance of this alteration remains unclear.